The following is an entry in ClinVar:

ClinVar aggregate classification (germline): Uncertain significance (1 of 4 stars; one submission).

gnomAD v4.1: 2 of 1,612,114 alleles (0.00012%); highest among the groups gnomAD compares: African/African-American, 0.0027%; no homozygotes.

Submission:

GeneDx
Classification: Uncertain significance. Last evaluated: 2024-03-02. Review status: criteria provided, single submitter. Criteria: GeneDx Variant Classification Process June 2021. Collection method: clinical testing. Allele origin: germline. Affected: yes.
Comment: Not observed at significant frequency in large population cohorts (gnomAD); In silico analysis supports that this missense variant does not alter protein structure/function; Has not been previously published as pathogenic or benign to our knowledge

NM_015466.4(PTPN23):c.2777C>T (p.Ala926Val)

Gene: PTPN23 (protein tyrosine phosphatase non-receptor type 23; plus strand). Cytogenetic location: 3p21.31.
Variant type: single nucleotide variant.
Coding change: c.2777C>T on transcript NM_015466.4 (MANE Select); coding-DNA position 2777, C replaced by T.
Protein change: p.Ala926Val; replaces alanine 926 with valine.
Molecular consequence: missense variant.
Genome position (GRCh38, 1-based): chr3:47,410,575, C>T. VCF-style: chr3-47410575-C-T. GRCh37 (hg19) VCF-style: chr3-47452065-C-T.
Other names: c.2399C>T, p.Ala800Val (NM_001304482.2); short protein forms A800V, A926V.
Identifiers: ClinVar variation 3373655 (VCV003373655.1).